The following is an entry in ClinVar:

NM_014053.4(FLVCR1):c.*3241C>T

Gene: FLVCR1 (FLVCR choline and heme transporter 1; plus strand). Cytogenetic location: 1q32.3.
Variant type: single nucleotide variant.
Coding change: c.*3241C>T on transcript NM_014053.4 (MANE Select); 3241 bases downstream of the stop codon, C replaced by T.
Molecular consequence: 3 prime UTR variant.
Genome position (GRCh38, 1-based): chr1:212,898,531, C>T. VCF-style: chr1-212898531-C-T. GRCh37 (hg19) VCF-style: chr1-213071873-C-T.
Identifiers: ClinVar variation 295397 (VCV000295397.5), dbSNP rs113198161, ClinGen allele CA10609847.

ClinVar aggregate classification (germline): Benign (1 of 4 stars; one submission).

Conditions:
Posterior column ataxia-retinitis pigmentosa syndrome (RETSNS). Also called: RETINOPATHY-SENSORY NEUROPATHY SYNDROME. Identifiers: Orphanet 88628, MedGen C1836916, MONDO:0012177, OMIM 609033.

Allele frequency attached by ClinVar (database versions not stated): 1000 Genomes Project 0.00599; 1000 Genomes Project 30x 0.00625; gnomAD 0.00450 and 0.00493; TOPMed 0.00536.

Submission:

Illumina Laboratory Services, Illumina
Classification: Benign for Posterior column ataxia-retinitis pigmentosa syndrome. Last evaluated: 2018-01-13. Review status: criteria provided, single submitter. Criteria: ICSL Variant Classification Criteria 13 December 2019. Collection method: clinical testing. Allele origin: germline.
Comment: This variant was observed in the ICSL laboratory as part of a predisposition screen in an ostensibly healthy population. It had not been previously curated by ICSL or reported in the Human Gene Mutation Database (HGMD: prior to June 1st, 2018), and was therefore a candidate for classification through an automated scoring system. Utilizing variant allele frequency, disease prevalence and penetrance estimates, and inheritance mode, an automated score was calculated to assess if this variant is too frequent to cause the disease. Based on the score and internal cut-off values, a variant classified as benign is not then subjected to further curation. The score for this variant resulted in a classification of benign for this disease.